The following is an entry in ClinVar:

ClinVar aggregate classification (germline): Likely benign (3 of 4 stars; one submission).

Conditions:
Breast-ovarian cancer, familial, susceptibility to, 1 (BROVCA1). Also called: BRCA1 Hereditary Breast and Ovarian Cancer; OVARIAN CANCER, SUSCEPTIBILITY TO. Identifiers: Orphanet 145, MedGen C2676676, MONDO:0011450, OMIM 604370. Disease mechanism: loss of function.

Submission:

Evidence-based Network for the Interpretation of Germline Mutant Alleles (ENIGMA)
Classification: Likely benign for Breast-ovarian cancer, familial, susceptibility to, 1. Last evaluated: 2017-06-29. Review status: reviewed by expert panel. Criteria: ENIGMA BRCA1/2 Classification Criteria (2017-06-29). Collection method: curation. Allele origin: germline.
Comment: Synonymous substitution variant, with low bioinformatic likelihood to result in a splicing aberration (Splicing prior probability 0.02).

NM_007294.4(BRCA1):c.3537A>G (p.Lys1179=)

Genes: BRCA1 (BRCA1 DNA repair associated; minus strand), LOC126862571 (BRD4-independent group 4 enhancer GRCh37_chr17:41243136-41244335; plus strand). Cytogenetic location: 17q21.31.
Variant type: single nucleotide variant.
Coding change: c.3537A>G on transcript NM_007294.4 (MANE Select); coding-DNA position 3537, A replaced by G.
Protein change: p.Lys1179=; no amino-acid change (lysine 1179 retained).
Molecular consequence: synonymous variant. On other transcripts: intron variant (135).
Genome position (GRCh38, 1-based): chr17:43,091,994, T>C on the plus strand (A>G on the coding strand, the complement: BRCA1 is on the minus strand). VCF-style: chr17-43091994-T-C. GRCh37 (hg19) VCF-style: chr17-41244011-T-C.
Other names: c.3324A>G, p.Lys1108= (NM_001407571.1, NM_001407853.1, NM_001407894.1 and 9 more transcripts); c.3537A>G, p.Lys1179= (NM_001407581.1, NM_001407582.1, NM_001407583.1 and 30 more transcripts); c.3534A>G, p.Lys1178= (NM_001407587.1, NM_001407590.1, NM_001407591.1 and 22 more transcripts); c.3528A>G, p.Lys1176= (NM_001407646.1, NM_001407647.1); c.3414A>G, p.Lys1138= (NM_001407648.1, NM_001407664.1, NM_001407665.1 and 19 more transcripts); c.3411A>G, p.Lys1137= (NM_001407649.1, NM_001407670.1, NM_001407671.1 and 11 more transcripts); c.3459A>G, p.Lys1153= (NM_001407653.1, NM_001407654.1, NM_001407655.1 and 4 more transcripts); c.3456A>G, p.Lys1152= (NM_001407659.1, NM_001407660.1, NM_001407661.1 and 1 more transcripts); and 41 more.
Identifiers: ClinVar variation 427280 (VCV000427280.4), dbSNP rs1131692090, ClinGen allele CA500232058.